The following is an entry in ClinVar:

NM_001242957.3(MAK):c.778C>G (p.Leu260Val)

Gene: MAK (male germ cell associated kinase; minus strand). Cytogenetic location: 6p24.2.
Variant type: single nucleotide variant.
Coding change: c.778C>G on transcript NM_001242957.3 (MANE Select); coding-DNA position 778, C replaced by G.
Protein change: p.Leu260Val; replaces leucine 260 with valine.
Molecular consequence: missense variant. On other transcripts: non-coding transcript variant (2).
Genome position (GRCh38, 1-based): chr6:10,801,945, G>C on the plus strand (C>G on the coding strand, the complement: MAK is on the minus strand). VCF-style: chr6-10801945-G-C. GRCh37 (hg19) VCF-style: chr6-10802178-G-C.
Other names: c.778C>G, p.Leu260Val (NM_001242385.2, NM_005906.6); c.676C>G, p.Leu226Val (NM_001377262.1); c.778C>G (NM_005906.4); short protein forms L226V, L260V.
Identifiers: ClinVar variation 1045255 (VCV001045255.8), dbSNP rs368102323, ClinGen allele CA3633634.

ClinVar aggregate classification (germline): Uncertain significance. Review status: criteria provided, multiple submitters, no conflicts (2 of 4 stars). 2 submissions from 2 submitters: Uncertain significance (2). Last evaluated 2023-12-20.

Conditions:
Inborn genetic diseases. Identifiers: MedGen C0950123, MeSH D030342.

Allele frequency attached by ClinVar (database versions not stated): TOPMed below 0.00001; gnomAD 0.00001; ESP Exome Variant Server 0.00008.
gnomAD v4.1: 1 of 1,613,992 alleles (0.000062%); highest among the groups gnomAD compares: Non-Finnish European, 0.000085%; no homozygotes.

Submissions (2):

Ambry Genetics
Classification: Uncertain significance for Inborn genetic diseases. Last evaluated: 2023-12-20. Review status: criteria provided, single submitter. Criteria: Ambry Variant Classification Scheme 2023. Collection method: clinical testing. Allele origin: germline.

Labcorp Genetics (formerly Invitae), Labcorp
Classification: Uncertain significance. Last evaluated: 2022-06-20. Review status: criteria provided, single submitter. Criteria: Invitae Variant Classification Sherloc (09022015). Collection method: clinical testing. Allele origin: germline.
Comment: In summary, the available evidence is currently insufficient to determine the role of this variant in disease. Therefore, it has been classified as a Variant of Uncertain Significance. Advanced modeling of protein sequence and biophysical properties (such as structural, functional, and spatial information, amino acid conservation, physicochemical variation, residue mobility, and thermodynamic stability) performed at Invitae indicates that this missense variant is not expected to disrupt MAK protein function. ClinVar contains an entry for this variant (Variation ID: 1045255). This variant has not been reported in the literature in individuals affected with MAK-related conditions. This variant is present in population databases (rs368102323, gnomAD 0.002%). This sequence change replaces leucine, which is neutral and non-polar, with valine, which is neutral and non-polar, at codon 260 of the MAK protein (p.Leu260Val).